The following is an entry in ClinVar:

NM_017433.5(MYO3A):c.1997A>T (p.Asn666Ile)

Gene: MYO3A (myosin IIIA; plus strand). Cytogenetic location: 10p12.1.
Variant type: single nucleotide variant.
Coding change: c.1997A>T on transcript NM_017433.5 (MANE Select); coding-DNA position 1997, A replaced by T.
Protein change: p.Asn666Ile; replaces asparagine 666 with isoleucine.
Molecular consequence: missense variant.
Genome position (GRCh38, 1-based): chr10:26,125,491, A>T. VCF-style: chr10-26125491-A-T. GRCh37 (hg19) VCF-style: chr10-26414420-A-T.
Other names: c.1997A>T (NM_017433.4); short protein forms N666I.
Identifiers: ClinVar variation 1050233 (VCV001050233.2), dbSNP rs200162942, ClinGen allele CA5444837.

ClinVar aggregate classification (germline): Uncertain significance. Review status: criteria provided, single submitter (1 of 4 stars). 2 submissions from 2 submitters: Uncertain significance (1). 1 of the submissions does not count toward it. Last evaluated 2024-11-12.

Allele frequency attached by ClinVar (database versions not stated): ExAC 0.00002; gnomAD 0.00002 and 0.00003; TOPMed 0.00002; gnomAD exomes 0.00005; 1000 Genomes Project 30x 0.00016; 1000 Genomes Project 0.00020.
gnomAD v4.1: 21 of 1,614,078 alleles (0.0013%); highest among the groups gnomAD compares: East Asian, 0.042%; no homozygotes.

Submissions (2):

GeneDx
Classification: Uncertain significance. Last evaluated: 2024-11-12. Review status: criteria provided, single submitter. Criteria: GeneDx Variant Classification Process June 2021. Collection method: clinical testing. Allele origin: germline. Affected: yes.
Comment: In silico analysis supports that this missense variant has a deleterious effect on protein structure/function; Has not been previously published as pathogenic or benign to our knowledge

Department of Pathology and Laboratory Medicine, Sinai Health System
Classification: Uncertain significance. Review status: no assertion criteria provided. Collection method: clinical testing. Allele origin: unknown. Affected: yes. Study: The Canadian Open Genetics Repository (COGR). Not counted in ClinVar's aggregate classification.
Comment: The MYO3A p.Asn666Ile variant was not identified in the literature nor was it identified in ClinVar, Cosmic, or LOVD 3.0. The variant was identified in dbSNP (ID: rs200162942) and in control databases in 14 of 282712 chromosomes at a frequency of 0.00005 (Genome Aggregation Database Feb 27, 2017). The variant was observed in the East Asian population in 14 of 19942 chromosomes (freq: 0.000702), but was not observed in the African, Latino, Ashkenazi Jewish, European (Finnish), European (non-Finnish), Other or South Asian populations. The p.Asn666 residue is conserved across mammals and other organisms, and four out of five computational analyses (PolyPhen-2, SIFT, AlignGVGD, BLOSUM, MutationTaster) suggest that the variant may impact the protein; however, this information is not predictive enough to assume pathogenicity. The variant occurs outside of the splicing consensus sequence and three of four in silico or computational prediction software programs (SpliceSiteFinder, MaxEntScan, NNSPLICE, GeneSplicer) do not predict a difference in splicing. In summary, based on the above information the clinical significance of this variant cannot be determined with certainty at this time. This variant is classified as a variant of uncertain significance.